The following is an entry in ClinVar:

NM_024753.5(TTC21B):c.3451G>A (p.Ala1151Thr)

Gene: TTC21B (tetratricopeptide repeat domain 21B; minus strand). Cytogenetic location: 2q24.3.
Variant type: single nucleotide variant.
Coding change: c.3451G>A on transcript NM_024753.5 (MANE Select); coding-DNA position 3451, G replaced by A.
Protein change: p.Ala1151Thr; replaces alanine 1151 with threonine.
Molecular consequence: missense variant.
Genome position (GRCh38, 1-based): chr2:165,888,287, C>T on the plus strand (G>A on the coding strand, the complement: TTC21B is on the minus strand). VCF-style: chr2-165888287-C-T. GRCh37 (hg19) VCF-style: chr2-166744797-C-T.
Other names: short protein forms A1151T.
Identifiers: ClinVar variation 2142974 (VCV002142974.5), dbSNP rs1356440860, ClinGen allele CA349047392.

ClinVar aggregate classification (germline): Uncertain significance. Review status: criteria provided, multiple submitters, no conflicts (2 of 4 stars). 2 submissions from 2 submitters: Uncertain significance (2). Last evaluated 2024-06-11.

Conditions:
Jeune thoracic dystrophy. Also called: Jeune syndrome; Infantile thoracic dystrophy; Thoracic pelvic phalangeal dystrophy; Jeune's syndrome; Chondroectodermal dysplasia-like syndrome; Short-rib thoracic dysplasia. Identifiers: Orphanet 474, MedGen C0265275, MONDO:0018770.
Nephronophthisis. Also called: Juvenile Nephronophthisis. Identifiers: Orphanet 655, MedGen C0687120, MONDO:0019005, HP:0000090.
Nephronophthisis 12 (NPHP12). Identifiers: Orphanet 655, MedGen C3151186, MONDO:0013442, OMIM 613820.
Asphyxiating thoracic dystrophy 4 (SRTD4). Also called: SHORT-RIB THORACIC DYSPLASIA 4 WITH OR WITHOUT POLYDACTYLY; SHORT-RIB THORACIC DYSPLASIA 4. Identifiers: Orphanet 474, MedGen C3151185, MONDO:0013441, OMIM 613819.

Allele frequency attached by ClinVar (database versions not stated): gnomAD exomes below 0.00001.

Submissions (2):

Fulgent Genetics
Classification: Uncertain significance for Asphyxiating thoracic dystrophy 4; Nephronophthisis 12. Last evaluated: 2024-06-11. Review status: criteria provided, single submitter. Criteria: ACMG Guidelines, 2015. Collection method: clinical testing. Allele origin: germline.

Labcorp Genetics (formerly Invitae), Labcorp
Classification: Uncertain significance for Jeune thoracic dystrophy; Nephronophthisis. Last evaluated: 2022-03-20. Review status: criteria provided, single submitter. Criteria: Invitae Variant Classification Sherloc (09022015). Collection method: clinical testing. Allele origin: germline.
Comment: In summary, the available evidence is currently insufficient to determine the role of this variant in disease. Therefore, it has been classified as a Variant of Uncertain Significance. Algorithms developed to predict the effect of missense changes on protein structure and function output the following: SIFT: "Tolerated"; PolyPhen-2: "Benign"; Align-GVGD: "Class C0". The threonine amino acid residue is found in multiple mammalian species, which suggests that this missense change does not adversely affect protein function. This variant has not been reported in the literature in individuals affected with TTC21B-related conditions. This variant is present in population databases (no rsID available, gnomAD 0.01%). This sequence change replaces alanine, which is neutral and non-polar, with threonine, which is neutral and polar, at codon 1151 of the TTC21B protein (p.Ala1151Thr).